The following is an entry in ClinVar:

ClinVar aggregate classification (germline): Likely benign (1 of 4 stars; one submission).

Submission:

GeneDx
Classification: Likely benign. Last evaluated: 2018-06-16. Review status: criteria provided, single submitter. Criteria: GeneDx Variant Classification (06012015). Collection method: clinical testing. Allele origin: germline. Affected: yes.
Comment: This variant is considered likely benign or benign based on one or more of the following criteria: it is a conservative change, it occurs at a poorly conserved position in the protein, it is predicted to be benign by multiple in silico algorithms, and/or has population frequency not consistent with disease.

NM_000183.3(HADHB):c.110-2189AAC[3]

Gene: HADHB (hydroxyacyl-CoA dehydrogenase trifunctional multienzyme complex subunit beta; plus strand). Cytogenetic location: 2p23.3.
Variant type: Microsatellite.
Coding change: c.110-2189AAC[3] on transcript NM_000183.3 (MANE Select); three copies in a row of the 3-base unit AAC starting at c.110-2189.
Molecular consequence: intron variant.
Genome position: GRCh38 VCF-style: chr2-26261190-AAAC-A. GRCh37 (hg19) VCF-style: chr2-26484058-AAAC-A.
Other names: c.43+128AAC[3] (NM_001281513.2); c.110-2189AAC[3] (NM_001281512.2).
Identifiers: ClinVar variation 675544 (VCV000675544.1), dbSNP rs139175905, ClinGen allele CA44376979.
Genomic context (GRCh38, chr2:26,261,190, plus strand): 5'-CCCCTTTGGCAGGGACTGTAAGCAGGGCAACTCCCTTTAGAGGGGCCTGTGGGATGTCCA[AAAC>A]AACAACAACACAACAAATACCCCCCCCCCATCCAGACAAACAAAAAAAGTATCTTTTATT-3'